The following is an entry in ClinVar:

ClinVar aggregate classification (germline): Uncertain significance. Review status: criteria provided, multiple submitters, no conflicts (2 of 4 stars). 2 submissions from 2 submitters: Uncertain significance (2). Last evaluated 2022-12-28.

Conditions:
Inborn genetic diseases. Identifiers: MedGen C0950123, MeSH D030342.

Allele frequency attached by ClinVar (database versions not stated): gnomAD exomes below 0.00001 and 0.00001; ExAC 0.00001; gnomAD 0.00002 and 0.00003; TOPMed 0.00003.
gnomAD v4.1: 5 of 1,511,532 alleles (0.00033%); highest among the groups gnomAD compares: African/African-American, 0.007%; no homozygotes.

Submissions (2):

Ambry Genetics
Classification: Uncertain significance for Inborn genetic diseases. Last evaluated: 2022-12-28. Review status: criteria provided, single submitter. Criteria: Ambry Variant Classification Scheme 2023. Collection method: clinical testing. Allele origin: germline.

Labcorp Genetics (formerly Invitae), Labcorp
Classification: Uncertain significance. Last evaluated: 2021-04-21. Review status: criteria provided, single submitter. Criteria: Invitae Variant Classification Sherloc (09022015). Collection method: clinical testing. Allele origin: germline.
Comment: This sequence change replaces isoleucine with threonine at codon 116 of the FLAD1 protein (p.Ile116Thr). The isoleucine residue is moderately conserved and there is a moderate physicochemical difference between isoleucine and threonine. This variant is present in population databases (rs756598623, ExAC 0.01%). This variant has not been reported in the literature in individuals with FLAD1-related conditions. Algorithms developed to predict the effect of missense changes on protein structure and function are either unavailable or do not agree on the potential impact of this missense change (SIFT: "Deleterious"; PolyPhen-2: "Probably Damaging"; Align-GVGD: "Class C0"). In summary, the available evidence is currently insufficient to determine the role of this variant in disease. Therefore, it has been classified as a Variant of Uncertain Significance.

NM_025207.5(FLAD1):c.347T>C (p.Ile116Thr)

Gene: FLAD1 (flavin adenine dinucleotide synthetase 1; plus strand). Cytogenetic location: 1q21.3.
Variant type: single nucleotide variant.
Coding change: c.347T>C on transcript NM_025207.5 (MANE Select); coding-DNA position 347, T replaced by C.
Protein change: p.Ile116Thr; replaces isoleucine 116 with threonine.
Molecular consequence: missense variant. On other transcripts: 5 prime UTR variant (1).
Genome position (GRCh38, 1-based): chr1:154,984,041, T>C. VCF-style: chr1-154984041-T-C. GRCh37 (hg19) VCF-style: chr1-154956517-T-C.
Other names: c.56T>C, p.Ile19Thr (NM_001184891.2, NM_201398.3); c.-590T>C (NM_001184892.2); c.347T>C (NM_025207.4); short protein forms I19T, I116T.
Identifiers: ClinVar variation 1389254 (VCV001389254.8), dbSNP rs756598623, ClinGen allele CA1134279.